The following is an entry in ClinVar:

ClinVar aggregate classification (germline): Uncertain significance (1 of 4 stars; one submission).

Conditions:
Gastrointestinal stromal tumor. Also called: Gastrointestinal stromal tumor, somatic; Gastrointestinal stroma tumor. Identifiers: Orphanet 44890, MedGen C0238198, MeSH D046152, MONDO:0011719, OMIM 606764, HP:0100723.

Submission:

Labcorp Genetics (formerly Invitae), Labcorp
Classification: Uncertain significance for Gastrointestinal stromal tumor. Last evaluated: 2025-01-06. Review status: criteria provided, single submitter. Criteria: Invitae Variant Classification Sherloc (09022015). Collection method: clinical testing. Allele origin: germline.
Comment: This sequence change affects codon 22 of the KIT mRNA. It is a 'silent' change, meaning that it does not change the encoded amino acid sequence of the KIT protein. It affects a nucleotide within the consensus splice site. This variant is not present in population databases (gnomAD no frequency). This variant has not been reported in the literature in individuals affected with KIT-related conditions. Algorithms developed to predict the effect of sequence changes on RNA splicing suggest that this variant may disrupt the consensus splice site. In summary, the available evidence is currently insufficient to determine the role of this variant in disease. Therefore, it has been classified as a Variant of Uncertain Significance.

NM_000222.3(KIT):c.66A>G (p.Thr22=)

Gene: KIT (KIT proto-oncogene, receptor tyrosine kinase; plus strand). Cytogenetic location: 4q12.
Variant type: single nucleotide variant.
Coding change: c.66A>G on transcript NM_000222.3 (MANE Select); coding-DNA position 66, A replaced by G.
Protein change: p.Thr22=; no amino-acid change (threonine 22 retained).
Molecular consequence: synonymous variant.
Genome position (GRCh38, 1-based): chr4:54,658,080, A>G. VCF-style: chr4-54658080-A-G. GRCh37 (hg19) VCF-style: chr4-55524247-A-G.
Other names: c.66A>G, p.Thr22= (NM_001093772.2, NM_001385284.1, NM_001385285.1 and 4 more transcripts).
Identifiers: ClinVar variation 3728213 (VCV003728213.2).
Genomic context (GRCh38, chr4:54,658,080, plus strand): 5'-AGGCGCTCGCGGCGCCTGGGATTTTCTCTGCGTTCTGCTCCTACTGCTTCGCGTCCAGAC[A>G]GGTGGGACACCGCGGCTGGCACCCCGACCGTGCGACTACTCGGCGAAGCCTGTGCCTGGG-3'
Protein context (NP_000213.1, residues 12-32): CVLLLLLRVQ[Thr22=]GSSQPSVSPG